The following is an entry in ClinVar:

ClinVar aggregate classification (germline): Uncertain significance. Review status: criteria provided, multiple submitters, no conflicts (2 of 4 stars). 2 submissions from 2 submitters: Uncertain significance (2). Last evaluated 2023-08-09.

Allele frequency attached by ClinVar (database versions not stated): gnomAD exomes 0.00001; gnomAD 0.00002; TOPMed 0.00002.
gnomAD v4.1: 13 of 1,614,096 alleles (0.00081%); highest among the groups gnomAD compares: Non-Finnish European, 0.001%; no homozygotes.

Submissions (2):

Women's Health and Genetics/Laboratory Corporation of America, LabCorp
Classification: Uncertain significance. Last evaluated: 2023-08-09. Review status: criteria provided, single submitter. Criteria: LabCorp Variant Classification Summary - May 2015. Collection method: clinical testing. Allele origin: germline.
Comment: Variant summary: SYNE1 c.1364A>G (p.Gln455Arg) results in a conservative amino acid change in the encoded protein sequence. Four of five in-silico tools predict a damaging effect of the variant on protein function. The variant allele was found at a frequency of 4e-06 in 251464 control chromosomes. The available data on variant occurrences in the general population are insufficient to allow any conclusion about variant significance. To our knowledge, no occurrence of c.1364A>G in individuals affected with Emery-Dreifuss Muscular Dystrophy 4, Autosomal Dominant and no experimental evidence demonstrating its impact on protein function have been reported. One submitter has cited clinical-significance assessments for this variant to ClinVar after 2014 and has classified the variant as uncertain significance. Based on the evidence outlined above, the variant was classified as uncertain significance.

Revvity Omics, Revvity
Classification: Uncertain significance. Last evaluated: 2022-08-08. Review status: criteria provided, single submitter. Criteria: ACMG Guidelines, 2015. Collection method: clinical testing. Allele origin: germline.

NM_182961.4(SYNE1):c.1343A>G (p.Gln448Arg)

Gene: SYNE1 (spectrin repeat containing nuclear envelope protein 1; minus strand). Cytogenetic location: 6q25.2.
Variant type: single nucleotide variant.
Coding change: c.1343A>G on transcript NM_182961.4 (MANE Select); coding-DNA position 1343, A replaced by G.
Protein change: p.Gln448Arg; replaces glutamine 448 with arginine.
Molecular consequence: missense variant.
Genome position (GRCh38, 1-based): chr6:152,483,092, T>C on the plus strand (A>G on the coding strand, the complement: SYNE1 is on the minus strand). VCF-style: chr6-152483092-T-C. GRCh37 (hg19) VCF-style: chr6-152804227-T-C.
Other names: c.1364A>G, p.Gln455Arg (NM_033071.5); short protein forms Q448R, Q455R.
Identifiers: ClinVar variation 2436716 (VCV002436716.4), dbSNP rs1207607260, ClinGen allele CA366139529.